The following is an entry in ClinVar:

NM_001370466.1(NOD2):c.2468T>C (p.Leu823Pro)

Gene: NOD2 (nucleotide binding oligomerization domain containing 2; plus strand). Cytogenetic location: 16q12.1.
Variant type: single nucleotide variant.
Coding change: c.2468T>C on transcript NM_001370466.1 (MANE Select); coding-DNA position 2468, T replaced by C.
Protein change: p.Leu823Pro; replaces leucine 823 with proline.
Molecular consequence: missense variant. On other transcripts: non-coding transcript variant (1).
Genome position (GRCh38, 1-based): chr16:50,716,893, T>C. VCF-style: chr16-50716893-T-C. GRCh37 (hg19) VCF-style: chr16-50750804-T-C.
Other names: c.2468T>C, p.Leu823Pro (NM_001293557.2); c.2549T>C, p.Leu850Pro (NM_022162.3); short protein forms L823P, L850P.
Identifiers: ClinVar variation 4792902 (VCV004792902.1).

ClinVar aggregate classification (germline): Uncertain significance (1 of 4 stars; one submission).

Conditions:
Blau syndrome (BLAUS). Also called: GRANULOMATOSIS, FAMILIAL JUVENILE SYSTEMIC; GRANULOMATOSIS, FAMILIAL, BLAU TYPE; GRANULOMATOUS INFLAMMATORY ARTHRITIS, DERMATITIS, AND UVEITIS, FAMILIAL; JABS SYNDROME; ARTHROCUTANEOUVEAL GRANULOMATOSIS. Identifiers: Orphanet 90340, MedGen C5201146, MONDO:0008523, OMIM 186580.
Regional enteritis. Also called: Enteritis, Granulomatous. Identifiers: MedGen C0678202, MeSH D003424.

gnomAD v4.1: 2 of 1,613,876 alleles (0.00012%); highest among the groups gnomAD compares: Admixed American, 0.0017%; no homozygotes.

Submission:

Labcorp Genetics (formerly Invitae), Labcorp
Classification: Uncertain significance for Regional enteritis; Blau syndrome. Last evaluated: 2025-08-29. Review status: criteria provided, single submitter. Criteria: Invitae Variant Classification Sherloc (09022015). Collection method: clinical testing. Allele origin: germline.
Comment: This sequence change replaces leucine, which is neutral and non-polar, with proline, which is neutral and non-polar, at codon 850 of the NOD2 protein (p.Leu850Pro). This variant is present in population databases (no rsID available, gnomAD 0.003%). This variant has not been reported in the literature in individuals affected with NOD2-related conditions. Invitae Evidence Modeling of protein sequence and biophysical properties (such as structural, functional, and spatial information, amino acid conservation, physicochemical variation, residue mobility, and thermodynamic stability) has been performed for this missense variant. However, the output from this modeling did not meet the statistical confidence thresholds required to predict the impact of this variant on NOD2 protein function. In summary, the available evidence is currently insufficient to determine the role of this variant in disease. Therefore, it has been classified as a Variant of Uncertain Significance.